The following is an entry in ClinVar:

ClinVar aggregate classification (germline): Likely pathogenic (1 of 4 stars; one submission).

Conditions:
Autosomal recessive limb-girdle muscular dystrophy type 2J (LGMDR10). Also called: Limb-girdle muscular dystrophy, type 2J; MUSCULAR DYSTROPHY, LIMB-GIRDLE, AUTOSOMAL RECESSIVE 10. Identifiers: Orphanet 140922, MedGen C1837342, MONDO:0012127, OMIM 608807.
Dilated cardiomyopathy 1G (CMD1G). Identifiers: Orphanet 154, MedGen C1858763, MONDO:0011400, OMIM 604145.

Submission:

Labcorp Genetics (formerly Invitae), Labcorp
Classification: Likely pathogenic for Dilated cardiomyopathy 1G; Autosomal recessive limb-girdle muscular dystrophy type 2J. Last evaluated: 2024-12-24. Review status: criteria provided, single submitter. Criteria: Invitae Variant Classification Sherloc (09022015). Collection method: clinical testing. Allele origin: germline.
Comment: This sequence change creates a premature translational stop signal (p.Pro10613Glnfs*12) in the TTN gene. While this is not anticipated to result in nonsense mediated decay, it is expected to create a truncated TTN protein. This variant is not present in population databases (gnomAD no frequency). This variant has not been reported in the literature in individuals affected with TTN-related conditions. This variant is located in the I band of TTN (PMID: 25589632). Truncating variants in this region have been reported in individuals affected with autosomal recessive centronuclear myopathy (PMID: 23975875, internal data). Truncating variants in this region have also been identified in individuals affected with autosomal dominant dilated cardiomyopathy and/or cardio-related conditions (PMID: 27869827, 32964742, internal data). In summary, the currently available evidence indicates that the variant is pathogenic, but additional data are needed to prove that conclusively. Therefore, this variant has been classified as Likely Pathogenic.

Literature cited by the submitters: PubMed 25589632; PubMed 23975875; PubMed 27869827; PubMed 32964742.

NM_001267550.2(TTN):c.31838del (p.Pro10613fs)

Gene: TTN (titin; minus strand). Cytogenetic location: 2q31.2.
Variant type: Deletion.
Coding change: c.31838del on transcript NM_001267550.2 (MANE Select); coding-DNA position 31838, one base deleted (C; older notation c.31838delC).
Protein change: p.Pro10613fs; shifts the reading frame from proline 10613.
Molecular consequence: frameshift variant. On other transcripts: intron variant (3).
Genome position (GRCh38, 1-based): chr2:178,689,821, G deleted on the plus strand (C on the coding strand, the reverse complement: TTN is on the minus strand); the first of 5 consecutive G bases (chr2:178,689,821-178,689,825); deleting any one gives the same sequence. VCF-style (leftmost placement, unchanged base first): chr2-178689820-TG-T. GRCh37 (hg19) VCF-style: chr2-179554547-TG-T.
Other names: c.30887del, p.Pro10296fs (NM_001256850.1); c.28106del, p.Pro9369fs (NM_133378.4); c.13283-47504del (NM_003319.4); c.13859-47504del (NM_133437.4); c.13658-47504del (NM_133432.3); short protein forms P10296fs, P10613fs, P9369fs.
Identifiers: ClinVar variation 3752078 (VCV003752078.2).
Genomic context (GRCh38, chr2:178,689,820, plus strand): 5'-CATATTTTGTATCAAAGATAAAAGATAGGGCTTTACGTCGAAAGCCACTGTACCTTTAGC[TG>T]GGGGAGCTTCCTTTTTCTTTGCAACAGGAACGGGAATCTTTTCTTCAGGGACAGGTTTCT-3'